The following is an entry in ClinVar:

ClinVar aggregate classification (germline): Pathogenic. Review status: reviewed by expert panel (3 of 4 stars). 7 submissions from 7 submitters: Pathogenic (1). 6 of the submissions do not count toward it. Last evaluated 2016-09-08.

Conditions:
Inherited breast cancer and ovarian cancer.
Hereditary cancer-predisposing syndrome. Also called: Neoplastic Syndromes, Hereditary; Hereditary Cancer Syndrome; Tumor predisposition; Hereditary neoplastic syndrome. Identifiers: Orphanet 140162, MedGen C0027672, MeSH D009386, MONDO:0015356.
Hereditary breast ovarian cancer syndrome. Also called: Hereditary breast and/or ovarian cancer syndrome; Hereditary breast and ovarian cancer syndrome; Hereditary breast and ovarian cancer; Hereditary breast and ovarian cancer syndrome (HBOC); Breast and ovarian cancer; BRCA1- and BRCA2-Associated Hereditary Breast and Ovarian Cancer. Identifiers: Orphanet 145, MedGen C0677776, MeSH D061325, MONDO:0003582. Disease mechanism: loss of function.
Breast-ovarian cancer, familial, susceptibility to, 1 (BROVCA1). Also called: BRCA1 Hereditary Breast and Ovarian Cancer; OVARIAN CANCER, SUSCEPTIBILITY TO. Identifiers: Orphanet 145, MedGen C2676676, MONDO:0011450, OMIM 604370. Disease mechanism: loss of function.

Submissions (7):

Evidence-based Network for the Interpretation of Germline Mutant Alleles (ENIGMA)
Classification: Pathogenic for Breast-ovarian cancer, familial, susceptibility to, 1. Last evaluated: 2016-09-08. Review status: reviewed by expert panel. Criteria: ENIGMA BRCA1/2 Classification Criteria (2015). Collection method: curation. Allele origin: germline.
Comment: Variant allele predicted to encode a truncated non-functional protein.

Genetics Laboratory, Great Ormond Street Hospital NHS Foundation Trust, North Thames Genomic Laboratory Hub
Classification: Pathogenic for Inherited breast cancer and ovarian cancer. Last evaluated: 2026-09-17. Review status: criteria provided, single submitter. Criteria: CanVIG BRCA Gene Specific V1.22. Collection method: clinical testing. Allele origin: germline. Affected: yes. Not counted in ClinVar's aggregate classification.
Comment: PS4_supporting, PM2_moderate, PVS1_very-strong, PM5_supporting

Ambry Genetics
Classification: Pathogenic for Hereditary cancer-predisposing syndrome. Last evaluated: 2024-06-19. Review status: criteria provided, single submitter. Criteria: Ambry Variant Classification Scheme 2023. Collection method: clinical testing. Allele origin: germline. Not counted in ClinVar's aggregate classification.
Comment: The c.512dupT pathogenic mutation, located in coding exon 6 of the BRCA1 gene, results from a duplication of T at nucleotide position 512, causing a translational frameshift with a predicted alternate stop codon (p.Q172Tfs*10). This alteration was reported in an individual diagnosed with ovarian cancer who also had a family history of breast cancer (Mannan AU et al. J. Hum. Genet. 2016 Jun;61:515-22). In addition to the clinical data presented in the literature, this alteration is expected to result in loss of function by premature protein truncation or nonsense-mediated mRNA decay. As such, this alteration is interpreted as a disease-causing mutation.

Labcorp Genetics (formerly Invitae), Labcorp
Classification: Pathogenic for Hereditary breast ovarian cancer syndrome. Last evaluated: 2023-04-14. Review status: criteria provided, single submitter. Criteria: Invitae Variant Classification Sherloc (09022015). Collection method: clinical testing. Allele origin: germline. Not counted in ClinVar's aggregate classification.
Comment: This variant is not present in population databases (gnomAD no frequency). This premature translational stop signal has been observed in individual(s) with breast and/or ovarian cancer (PMID: 26911350). ClinVar contains an entry for this variant (Variation ID: 141091). For these reasons, this variant has been classified as Pathogenic. This sequence change creates a premature translational stop signal (p.Gln172Thrfs*10) in the BRCA1 gene. It is expected to result in an absent or disrupted protein product. Loss-of-function variants in BRCA1 are known to be pathogenic (PMID: 20104584).

Color Diagnostics, LLC DBA Color Health
Classification: Pathogenic for Hereditary cancer-predisposing syndrome. Last evaluated: 2020-01-15. Review status: criteria provided, single submitter. Criteria: ACMG Guidelines, 2015. Collection method: clinical testing. Allele origin: germline. Not counted in ClinVar's aggregate classification.
Comment: This variant inserts 1 nucleotide in exon 7 of the BRCA1 gene, creating a frameshift and premature translation stop signal. This variant is expected to result in an absent or non-functional protein product. This variant has not been identified in the general population by the Genome Aggregation Database (gnomAD). Loss of BRCA1 function is a known mechanism of disease. Based on the available evidence, this variant is classified as Pathogenic.

Bioinformatics dept., Datar Cancer Genetics Limited, India
Classification: Pathogenic for Breast-ovarian cancer, familial, susceptibility to, 1. Last evaluated: 2017-07-06. Review status: criteria provided, single submitter. Criteria: ACMG Guidelines, 2015. Collection method: clinical testing. Allele origin: germline. Inheritance: Autosomal dominant inheritance. Affected: yes. Observed: 1 variant allele, 1 compound heterozygote. Not counted in ClinVar's aggregate classification.

GeneDx
Classification: Pathogenic. Last evaluated: 2016-11-28. Review status: criteria provided, single submitter. Criteria: GeneDx Variant Classification (06012015). Collection method: clinical testing. Allele origin: germline. Affected: yes. Not counted in ClinVar's aggregate classification.
Comment: This duplication of one nucleotide in BRCA1 is denoted c.512dupT at the cDNA level and p.Gln172ThrfsX10 (Q172TfsX10) at the protein level. The normal sequence, with the base that is duplicated in brackets, is CGGA[dupT]ACAA. The duplication causes a frameshift, which changes a Glutamine to a Threonine at codon 172, and creates a premature stop codon at position 10 of the new reading frame. This variant is predicted to cause loss of normal protein function through either protein truncation or nonsense-mediated mRNA decay. BRCAc.512dupT has been reported in association with breast and ovarian cancer (Mannan 2016). We consider this variant to be pathogenic.

Literature cited by the submitters: PubMed 26911350 (cited by 3 submitters); PubMed 20104584 (cited by Labcorp Genetics (formerly Invitae), Labcorp).

NM_007294.4(BRCA1):c.512dup (p.Gln172fs)

Gene: BRCA1 (BRCA1 DNA repair associated; minus strand). Cytogenetic location: 17q21.31.
Variant type: Duplication.
Coding change: c.512dup on transcript NM_007294.4 (MANE Select); coding-DNA position 512, one base duplicated (T; older notation c.512dupT).
Protein change: p.Gln172fs; shifts the reading frame from glutamine 172.
Molecular consequence: frameshift variant. On other transcripts: non-coding transcript variant (1).
Genome position (GRCh38, 1-based): chr17:43,099,810, A duplicated on the plus strand (T on the coding strand, the reverse complement: BRCA1 is on the minus strand). VCF-style (leftmost placement, unchanged base first): chr17-43099809-T-TA. GRCh37 (hg19) VCF-style: chr17-41251826-T-TA.
Other names: c.512dupT (NM_007294.3); c.299dup, p.Gln101Thrfs (NM_001407571.1, NM_001407853.1, NM_001407894.1 and 18 more transcripts); c.512dup, p.Gln172Thrfs (NM_001407581.1, NM_001407582.1, NM_001407583.1 and 95 more transcripts); c.509dup, p.Gln171Thrfs (NM_001407587.1, NM_001407590.1, NM_001407591.1 and 65 more transcripts); c.503dup, p.Gln169Thrfs (NM_001407646.1, NM_001407647.1, NM_001408408.1); c.434dup, p.Gln146Thrfs (NM_001407653.1, NM_001407654.1, NM_001407655.1 and 12 more transcripts); c.431dup, p.Gln145Thrfs (NM_001407659.1, NM_001407660.1, NM_001407661.1 and 6 more transcripts); c.371dup, p.Gln125Thrfs (NM_001407692.1, NM_001407694.1, NM_001407695.1 and 60 more transcripts); and 7 more; short protein forms Q125fs, Q172fs.
Identifiers: ClinVar variation 141091 (VCV000141091.26), dbSNP rs587781487, ClinGen allele CA164433.